The following is an entry in ClinVar:

NM_001005498.4(RHBDF2):c.*551G>A

Gene: RHBDF2 (rhomboid 5 homolog 2; minus strand). Cytogenetic location: 17q25.1.
Variant type: single nucleotide variant.
Coding change: c.*551G>A on transcript NM_001005498.4 (MANE Select); 551 bases downstream of the stop codon, G replaced by A.
Molecular consequence: 3 prime UTR variant. On other transcripts: non-coding transcript variant (3).
Genome position (GRCh38, 1-based): chr17:76,471,082, C>T on the plus strand (G>A on the coding strand, the complement: RHBDF2 is on the minus strand). VCF-style: chr17-76471082-C-T. GRCh37 (hg19) VCF-style: chr17-74467164-C-T.
Other names: c.*551G>A (NM_001376228.1, NM_001376229.1, NM_001376230.1 and 1 more transcripts).
Identifiers: ClinVar variation 325406 (VCV000325406.6), dbSNP rs2289801, ClinGen allele CA10651055.

ClinVar aggregate classification (germline): Benign. Review status: criteria provided, multiple submitters, no conflicts (2 of 4 stars). 2 submissions from 2 submitters: Benign (2). Last evaluated 2018-01-13.

Conditions:
Palmoplantar keratoderma-esophageal carcinoma syndrome (TOC). Also called: KERATOSIS PALMARIS ET PLANTARIS WITH ESOPHAGEAL CANCER; PALMOPLANTAR KERATODERMA WITH ESOPHAGEAL CANCER; Tylosis with Esophageal Cancer. Identifiers: Orphanet 2198, MedGen C1835664, MONDO:0007856, OMIM 148500.

Allele frequency attached by ClinVar (database versions not stated): TOPMed 0.04169; 1000 Genomes Project 30x 0.06933; 1000 Genomes Project 0.07188.
gnomAD v4.1: 5,790 of 156,832 alleles (3.7%); highest among the groups gnomAD compares: South Asian, 12%; 177 homozygotes.

Submissions (2):

Illumina Laboratory Services, Illumina
Classification: Benign for Palmoplantar keratoderma-esophageal carcinoma syndrome. Last evaluated: 2018-01-13. Review status: criteria provided, single submitter. Criteria: ICSL Variant Classification Criteria 13 December 2019. Collection method: clinical testing. Allele origin: germline.
Comment: This variant was observed in the ICSL laboratory as part of a predisposition screen in an ostensibly healthy population. It had not been previously curated by ICSL or reported in the Human Gene Mutation Database (HGMD: prior to June 1st, 2018), and was therefore a candidate for classification through an automated scoring system. Utilizing variant allele frequency, disease prevalence and penetrance estimates, and inheritance mode, an automated score was calculated to assess if this variant is too frequent to cause the disease. Based on the score and internal cut-off values, a variant classified as benign is not then subjected to further curation. The score for this variant resulted in a classification of benign for this disease.

Breakthrough Genomics
Classification: Benign. Review status: criteria provided, single submitter. Criteria: ACMG Guidelines, 2015. Collection method: not provided. Allele origin: germline. Inheritance: Autosomal dominant inheritance. Affected: yes.